The following is an entry in ClinVar:

ClinVar aggregate classification (germline): Conflicting classifications of pathogenicity. Review status: criteria provided, conflicting classifications (1 of 4 stars). 3 submissions from 3 submitters: Uncertain significance (1); Likely benign (2). Last evaluated 2025-12-10.

Allele frequency attached by ClinVar (database versions not stated): gnomAD exomes 0.00003; ExAC 0.00009; ESP Exome Variant Server 0.00023; TOPMed 0.00023; gnomAD 0.00025; 1000 Genomes Project 0.00060; 1000 Genomes Project 30x 0.00062.
gnomAD v4.1: 86 of 1,614,226 alleles (0.0053%); highest among the groups gnomAD compares: African/African-American, 0.11%; 1 homozygote.

Submissions (3):

Ambry Genetics
Classification: Uncertain significance. Last evaluated: 2025-12-10. Review status: criteria provided, single submitter. Criteria: Ambry Variant Classification Scheme 2023. Collection method: clinical testing. Allele origin: germline.

CeGaT Center for Human Genetics Tuebingen
Classification: Likely benign. Last evaluated: 2023-09-01. Review status: criteria provided, single submitter. Criteria: CeGaT Center For Human Genetics Tuebingen Variant Classification Criteria Version 2. Collection method: clinical testing. Allele origin: germline. Affected: yes. Observed: 1 variant allele.
Comment: PRKD1: BP4

Blueprint Genetics
Classification: Likely benign. Last evaluated: 2023-04-24. Review status: criteria provided, single submitter. Criteria: ACMG Guidelines, 2015. Collection method: clinical testing. Allele origin: germline.

NM_002742.3(PRKD1):c.1114A>G (p.Met372Val)

Gene: PRKD1 (protein kinase D1; minus strand). Cytogenetic location: 14q12.
Variant type: single nucleotide variant.
Coding change: c.1114A>G on transcript NM_002742.3 (MANE Select); coding-DNA position 1114, A replaced by G.
Protein change: p.Met372Val; replaces methionine 372 with valine.
Molecular consequence: missense variant.
Genome position (GRCh38, 1-based): chr14:29,636,366, T>C on the plus strand (A>G on the coding strand, the complement: PRKD1 is on the minus strand). VCF-style: chr14-29636366-T-C. GRCh37 (hg19) VCF-style: chr14-30105572-T-C.
Other names: c.1138A>G, p.Met380Val (NM_001330069.2); c.850A>G, p.Met284Val (NM_001348390.1); c.1114A>G (NM_002742.2); short protein forms M284V, M372V, M380V.
Identifiers: ClinVar variation 2582918 (VCV002582918.26), dbSNP rs144613015, ClinGen allele CA7141274.